The following is an entry in ClinVar:

ClinVar aggregate classification (germline): Likely benign. Review status: criteria provided, multiple submitters, no conflicts (2 of 4 stars). 3 submissions from 3 submitters: Likely benign (3). Last evaluated 2025-08-29.

gnomAD v4.1: 25 of 1,613,646 alleles (0.0015%); highest among the groups gnomAD compares: African/African-American, 0.0053%; no homozygotes.

Submissions (3):

Mayo Clinic Laboratories, Mayo Clinic
Classification: Likely benign. Last evaluated: 2025-08-29. Review status: criteria provided, single submitter. Criteria: ACMG Guidelines, 2015. Collection method: clinical testing. Allele origin: germline. Observed: 1 variant allele.
Comment: BP4, BP7

Labcorp Genetics (formerly Invitae), Labcorp
Classification: Likely benign. Last evaluated: 2025-07-06. Review status: criteria provided, single submitter. Criteria: Invitae Variant Classification Sherloc (09022015). Collection method: clinical testing. Allele origin: germline.

Blueprint Genetics
Classification: Likely benign. Last evaluated: 2020-03-27. Review status: criteria provided, single submitter. Criteria: ACMG Guidelines, 2015. Collection method: clinical testing. Allele origin: germline.

NM_001128840.3(CACNA1D):c.6291C>T (p.Asp2097=)

Gene: CACNA1D (calcium voltage-gated channel subunit alpha1 D; plus strand). Cytogenetic location: 3p21.1.
Variant type: single nucleotide variant.
Coding change: c.6291C>T on transcript NM_001128840.3 (MANE Select); coding-DNA position 6291, C replaced by T.
Protein change: p.Asp2097=; no amino-acid change (aspartic acid 2097 retained).
Molecular consequence: synonymous variant.
Genome position (GRCh38, 1-based): chr3:53,811,211, C>T. VCF-style: chr3-53811211-C-T. GRCh37 (hg19) VCF-style: chr3-53845238-C-T.
Other names: p.Asp2117=; c.6351C>T, p.Asp2117= (NM_000720.4); c.6219C>T, p.Asp2073= (NM_001128839.3).
Identifiers: ClinVar variation 4684708 (VCV004684708.3).